The following is an entry in ClinVar:

NM_080732.4(EGLN2):c.587G>C (p.Ser196Thr)

Genes: EGLN2 (egl-9 family hypoxia inducible factor 2; plus strand), RAB4B-EGLN2 (RAB4B-EGLN2 readthrough (NMD candidate); plus strand). Cytogenetic location: 19q13.2.
Variant type: single nucleotide variant.
Coding change: c.587G>C on transcript NM_080732.4 (MANE Select); coding-DNA position 587, G replaced by C.
Protein change: p.Ser196Thr; replaces serine 196 with threonine.
Molecular consequence: missense variant. On other transcripts: non-coding transcript variant (1).
Genome position (GRCh38, 1-based): chr19:40,801,159, G>C. VCF-style: chr19-40801159-G-C. GRCh37 (hg19) VCF-style: chr19-41307064-G-C.
Other names: c.587G>C, p.Ser196Thr (NM_053046.4); short protein forms S196T.
Identifiers: ClinVar variation 2624527 (VCV002624527.2), dbSNP rs777520401, ClinGen allele CA405955573.

ClinVar aggregate classification (germline): Uncertain significance (1 of 4 stars; one submission).

Submission:

Ambry Genetics
Classification: Uncertain significance. Last evaluated: 2023-06-21. Review status: criteria provided, single submitter. Criteria: Ambry Variant Classification Scheme 2023. Collection method: clinical testing. Allele origin: germline.
Comment: The p.S196T variant (also known as c.587G>C), located in coding exon 1 of the EGLN2 gene, results from a G to C substitution at nucleotide position 587. The serine at codon 196 is replaced by threonine, an amino acid with similar properties. This amino acid position is conserved. In addition, this alteration is predicted to be tolerated by in silico analysis. Since supporting evidence is limited at this time, the clinical significance of this alteration remains unclear.